The following is an entry in ClinVar:

NM_001243925.2(MAPKAPK3):c.418G>A (p.Glu140Lys)

Gene: MAPKAPK3 (MAPK activated protein kinase 3; plus strand). Cytogenetic location: 3p21.2.
Variant type: single nucleotide variant.
Coding change: c.418G>A on transcript NM_001243925.2 (MANE Select); coding-DNA position 418, G replaced by A.
Protein change: p.Glu140Lys; replaces glutamic acid 140 with lysine.
Molecular consequence: missense variant.
Genome position (GRCh38, 1-based): chr3:50,641,765, G>A. VCF-style: chr3-50641765-G-A. GRCh37 (hg19) VCF-style: chr3-50679196-G-A.
Other names: c.418G>A, p.Glu140Lys (NM_001243926.2, NM_004635.5); short protein forms E140K.
Identifiers: ClinVar variation 1492940 (VCV001492940.8), dbSNP rs2033181020, ClinGen allele CA352927217.
Genomic context (GRCh38, chr3:50,641,765, plus strand): 5'-AGCATGGAAGGTGGTGAGTTGTTCAGCAGGATTCAGGAGCGTGGCGACCAGGCTTTCACT[G>A]AGAGAGGTATGTGCATGTAGCTGGACCAGCAGGAGGATTCAGGGTGAGAGGTATGGACCA-3'
Protein context (NP_001230854.1, residues 130-150): IQERGDQAFT[Glu140Lys]REAAEIMRDI

ClinVar aggregate classification (germline): Uncertain significance (1 of 4 stars; one submission).

Allele frequency attached by ClinVar (database versions not stated): gnomAD exomes below 0.00001.

Submission:

Labcorp Genetics (formerly Invitae), Labcorp
Classification: Uncertain significance. Last evaluated: 2022-11-04. Review status: criteria provided, single submitter. Criteria: Invitae Variant Classification Sherloc (09022015). Collection method: clinical testing. Allele origin: germline.
Comment: This variant has not been reported in the literature in individuals affected with MAPKAPK3-related conditions. This sequence change replaces glutamic acid, which is acidic and polar, with lysine, which is basic and polar, at codon 140 of the MAPKAPK3 protein (p.Glu140Lys). This variant is not present in population databases (gnomAD no frequency). ClinVar contains an entry for this variant (Variation ID: 1492940). Algorithms developed to predict the effect of missense changes on protein structure and function (SIFT, PolyPhen-2, Align-GVGD) all suggest that this variant is likely to be disruptive. In summary, the available evidence is currently insufficient to determine the role of this variant in disease. Therefore, it has been classified as a Variant of Uncertain Significance.